The following is an entry in ClinVar:

NM_007194.4(CHEK2):c.163T>G (p.Ser55Ala)

Gene: CHEK2 (checkpoint kinase 2; minus strand). Cytogenetic location: 22q12.1.
Variant type: single nucleotide variant.
Coding change: c.163T>G on transcript NM_007194.4 (MANE Select); coding-DNA position 163, T replaced by G.
Protein change: p.Ser55Ala; replaces serine 55 with alanine.
Molecular consequence: missense variant.
Genome position (GRCh38, 1-based): chr22:28,734,559, A>C on the plus strand (T>G on the coding strand, the complement: CHEK2 is on the minus strand). VCF-style: chr22-28734559-A-C. GRCh37 (hg19) VCF-style: chr22-29130547-A-C.
Other names: c.163T>G, p.Ser55Ala (NM_001005735.3, NM_001349956.3, NM_145862.3); c.-615T>G (NM_001257387.3); short protein forms S55A.
Identifiers: ClinVar variation 460816 (VCV000460816.15), dbSNP rs1555932427, ClinGen allele CA411090942.

ClinVar aggregate classification (germline): Uncertain significance. Review status: criteria provided, multiple submitters, no conflicts (2 of 4 stars). 2 submissions from 2 submitters: Uncertain significance (2). Last evaluated 2024-07-24.

Conditions:
Hereditary cancer-predisposing syndrome. Also called: Neoplastic Syndromes, Hereditary; Tumor predisposition; Hereditary Cancer Syndrome; Hereditary neoplastic syndrome. Identifiers: Orphanet 140162, MedGen C0027672, MeSH D009386, MONDO:0015356.
Familial cancer of breast. Also called: BREAST CANCER, FAMILIAL; hereditary breast carcinoma; Hereditary breast cancer. Identifiers: Orphanet 227535, MedGen C0346153, MONDO:0016419, OMIM 114480. Disease mechanism: loss of function.

Submissions (2):

Ambry Genetics
Classification: Uncertain significance for Hereditary cancer-predisposing syndrome. Last evaluated: 2024-07-24. Review status: criteria provided, single submitter. Criteria: Ambry Variant Classification Scheme 2023. Collection method: clinical testing. Allele origin: germline.
Comment: The p.S55A variant (also known as c.163T>G), located in coding exon 1 of the CHEK2 gene, results from a T to G substitution at nucleotide position 163. The serine at codon 55 is replaced by alanine, an amino acid with similar properties. This alteration was identified in 1/278 individuals from a cohort BRCA1/2-negative individuals with early-onset breast cancer via multiplex panel testing of 22 cancer susceptibility genes (Maxwell KN et al. Genet Med, 2015 Aug;17:630-8). This amino acid position is well conserved in available vertebrate species. In addition, the in silico prediction for this alteration is inconclusive. Since supporting evidence is limited at this time, the clinical significance of this alteration remains unclear.

Labcorp Genetics (formerly Invitae), Labcorp
Classification: Uncertain significance for Familial cancer of breast. Last evaluated: 2024-03-13. Review status: criteria provided, single submitter. Criteria: Invitae Variant Classification Sherloc (09022015). Collection method: clinical testing. Allele origin: germline.
Comment: This sequence change replaces serine, which is neutral and polar, with alanine, which is neutral and non-polar, at codon 55 of the CHEK2 protein (p.Ser55Ala). This variant is not present in population databases (gnomAD no frequency). This missense change has been observed in individual(s) with breast cancer (PMID: 25503501). ClinVar contains an entry for this variant (Variation ID: 460816). An algorithm developed to predict the effect of missense changes on protein structure and function (PolyPhen-2) suggests that this variant is likely to be disruptive. In summary, the available evidence is currently insufficient to determine the role of this variant in disease. Therefore, it has been classified as a Variant of Uncertain Significance.

Literature cited by the submitters: PubMed 25503501 (cited by Ambry Genetics and Labcorp Genetics (formerly Invitae), Labcorp).